The following is an entry in ClinVar:

NM_172351.3(CD46):c.350dup (p.Tyr117Ter)

Gene: CD46 (CD46 molecule; plus strand). Cytogenetic location: 1q32.2.
Variant type: Duplication.
Coding change: c.350dup on transcript NM_172351.3 (MANE Select); coding-DNA position 350, one base duplicated (A; older notation c.350dupA).
Protein change: p.Tyr117Ter; replaces tyrosine 117 with a stop codon.
Molecular consequence: nonsense.
Genome position (GRCh38, 1-based): chr1:207,757,603, A duplicated. VCF-style (leftmost placement, unchanged base first): chr1-207757602-T-TA. GRCh37 (hg19) VCF-style: chr1-207930947-T-TA.
Other names: p.Tyr117*; c.350dup, p.Tyr117Ter (NM_002389.4, NM_153826.4, NM_172350.3 and 8 more transcripts); short protein forms Y117*.
Identifiers: ClinVar variation 4291200 (VCV004291200.4).
Genomic context (GRCh38, chr1:207,757,602, plus strand): 5'-GAAACATGTCCATATATACGGGATCCTTTAAATGGCCAAGCAGTCCCTGCAAATGGGACT[T>TA]ACGAGTTTGGTTATCAGATGCACTTTATTTGTAATGAGGGGTAAGTTGCTCCTTAGAGGA-3'

ClinVar aggregate classification (germline): Pathogenic/Likely pathogenic. Review status: criteria provided, multiple submitters, no conflicts (2 of 4 stars). 4 submissions from 4 submitters: Pathogenic (3); Likely pathogenic (1). Last evaluated 2025-10-02.

Conditions:
CD46-related disorders.
Atypical hemolytic-uremic syndrome with MCP/CD46 anomaly. Also called: HEMOLYTIC UREMIC SYNDROME, ATYPICAL, SUSCEPTIBILITY TO, 2; AHUS, SUSCEPTIBILITY TO, 2. Identifiers: Orphanet 2134, MedGen C2752040, MONDO:0013040, OMIM 612922.
Atypical hemolytic-uremic syndrome. Identifiers: Orphanet 2134, MedGen C2931788, MONDO:0016244.

Submissions (4):

Genomenon, Inc
Classification: Pathogenic for Atypical hemolytic-uremic syndrome. Last evaluated: 2025-10-02. Review status: criteria provided, single submitter. Criteria: Genomenon Sequence Variant Interpretation Standards. Collection method: curation. Allele origin: germline. Affected: yes.
Comment: CD46 p.Tyr117Ter (c.350dup) is a nonsense variant that introduces a premature stop codon at amino acid position 117, creating a truncated protein that is predicted to undergo nonsense-mediated mRNA decay. This variant has been observed in at least one proband affected with atypical hemolytic-uremic syndrome (PMID:21706448;33270832). The variant was found to segregate with disease in at least one affected family (PMID:21706448). It is absent or not present at a significant frequency in gnomAD. In conclusion, we classify CD46 p.Tyr117Ter (c.350dup) as a pathogenic variant.

MVZ Medizinische Genetik Mainz
Classification: Pathogenic for Atypical hemolytic-uremic syndrome with MCP/CD46 anomaly. Last evaluated: 2025-03-31. Review status: criteria provided, single submitter. Criteria: UK Practice Guidelines For Variant Classification V4 01 2020. Collection method: clinical testing. Allele origin: germline. Inheritance: Autosomal dominant inheritance. Affected: yes. Observed: 1 variant allele.
Comment: ACMG Criteria: PVS1,PS3,PS4,PM2_SUP,PP4

Mayo Clinic Laboratories, Mayo Clinic
Classification: Pathogenic. Last evaluated: 2025-03-24. Review status: criteria provided, single submitter. Criteria: ACMG Guidelines, 2015. Collection method: clinical testing. Allele origin: germline. Observed: 1 variant allele.
Comment: PM2_supporting, PS4_moderate, PVS1

Blueprint Genetics
Classification: Likely pathogenic for CD46-related disorders. Last evaluated: 2019-10-18. Review status: criteria provided, single submitter. Criteria: ACMG Guidelines, 2015. Collection method: clinical testing. Allele origin: germline. Affected: yes. Observed: 1 variant allele.

Literature cited by the submitters: PubMed 21706448 (cited by Genomenon, Inc and Mayo Clinic Laboratories, Mayo Clinic); PubMed 33270832 (cited by Genomenon, Inc).